The following is an entry in ClinVar:

NM_000077.5(CDKN2A):c.458-492G>C

Gene: CDKN2A (cyclin dependent kinase inhibitor 2A; minus strand). Cytogenetic location: 9p21.3.
Variant type: single nucleotide variant.
Coding change: c.458-492G>C on transcript NM_000077.5 (MANE Select); 492 bases into the intron before coding-DNA position 458, G replaced by C.
Molecular consequence: intron variant. On other transcripts: missense variant (1).
Genome position (GRCh38, 1-based): chr9:21,968,734, C>G on the plus strand (G>C on the coding strand, the complement: CDKN2A is on the minus strand). VCF-style: chr9-21968734-C-G. GRCh37 (hg19) VCF-style: chr9-21968733-C-G.
Other names: c.495G>C, p.Arg165Ser (NM_001195132.2); c.305-492G>C (NM_001363763.2); c.*102-492G>C (NM_058195.4); c.*381-492G>C (NM_058197.5); short protein forms R165S.
Identifiers: ClinVar variation 133881 (VCV000133881.6), dbSNP rs527814073, ClinGen allele CA158072.

ClinVar aggregate classification (germline): Likely benign. Review status: criteria provided, single submitter (1 of 4 stars). 4 submissions from 4 submitters: Likely benign (1). 3 of the submissions do not count toward it. Last evaluated 2024-06-27.

Conditions:
CDKN2A-related disorder. Also called: CDKN2A-related condition.
Melanoma-pancreatic cancer syndrome. Identifiers: Orphanet 404560, MedGen C1838547, MONDO:0011713, OMIM 606719. Disease mechanism: loss of function.

Allele frequency attached by ClinVar (database versions not stated): 1000 Genomes Project 0.00020; gnomAD 0.00019 and 0.00021; ExAC 0.00008; 1000 Genomes Project 30x 0.00016; gnomAD exomes 0.00009; TOPMed 0.00037.
gnomAD v4.1: 85 of 1,536,164 alleles (0.0055%); highest among the groups gnomAD compares: African/African-American, 0.083%; no homozygotes.

Submissions (4):

Blueprint Genetics
Classification: Likely benign. Last evaluated: 2024-06-27. Review status: criteria provided, single submitter. Criteria: ACMG Guidelines, 2015. Collection method: clinical testing. Allele origin: germline.

PreventionGenetics, part of Exact Sciences
Classification: Likely benign for CDKN2A-related condition. Last evaluated: 2021-02-19. Review status: no assertion criteria provided. Collection method: clinical testing. Allele origin: germline. Not counted in ClinVar's aggregate classification.
Comment: This variant is classified as likely benign based on ACMG/AMP sequence variant interpretation guidelines (Richards et al. 2015 PMID: 25741868, with internal and published modifications).

Counsyl
Classification: Likely benign for Melanoma-pancreatic cancer syndrome. Last evaluated: 2016-08-01. Review status: no assertion criteria provided. Collection method: clinical testing. Allele origin: unknown. Not counted in ClinVar's aggregate classification.

ITMI
No classification provided. Condition: AllHighlyPenetrant. Last evaluated: 2013-09-19. Review status: no classification provided. Collection method: reference population. Allele origin: germline. Not counted in ClinVar's aggregate classification.
Comment: Please see associated publication for description of ethnicities

Literature cited by the submitters: PubMed 24728327 (cited by ITMI).